The following is an entry in ClinVar:

NM_001184880.2(PCDH19):c.164C>G (p.Pro55Arg)

Gene: PCDH19 (protocadherin 19; minus strand). Cytogenetic location: Xq22.1.
Variant type: single nucleotide variant.
Coding change: c.164C>G on transcript NM_001184880.2 (MANE Select); coding-DNA position 164, C replaced by G.
Protein change: p.Pro55Arg; replaces proline 55 with arginine.
Molecular consequence: missense variant.
Genome position (GRCh38, 1-based): chrX:100,408,434, G>C on the plus strand (C>G on the coding strand, the complement: PCDH19 is on the minus strand). VCF-style: chrX-100408434-G-C. GRCh37 (hg19) VCF-style: chrX-99663432-G-C.
Other names: c.164C>G, p.Pro55Arg (NM_001105243.2, NM_020766.3); short protein forms P55R.
Identifiers: ClinVar variation 956728 (VCV000956728.10), dbSNP rs1928476240, ClinGen allele CA414011239.

ClinVar aggregate classification (germline): Uncertain significance (1 of 4 stars; one submission).

Conditions:
Developmental and epileptic encephalopathy, 9 (DEE9). Also called: Early infantile epileptic encephalopathy 9; EPILEPSY, FEMALE-RESTRICTED, WITH MENTAL RETARDATION; JUBERG-HELLMAN SYNDROME; PCDH19-Related X-Linked Female-Limited Epilepsy with Mental Retardation. Identifiers: Orphanet 101039, Orphanet 2076, MedGen C1848137, MONDO:0010246, OMIM 300088. Disease mechanism: loss of function.

Submission:

Labcorp Genetics (formerly Invitae), Labcorp
Classification: Uncertain significance for Developmental and epileptic encephalopathy, 9. Last evaluated: 2024-11-16. Review status: criteria provided, single submitter. Criteria: Invitae Variant Classification Sherloc (09022015). Collection method: clinical testing. Allele origin: germline.
Comment: This sequence change replaces proline, which is neutral and non-polar, with arginine, which is basic and polar, at codon 55 of the PCDH19 protein (p.Pro55Arg). This variant is not present in population databases (gnomAD no frequency). This variant has not been reported in the literature in individuals affected with PCDH19-related conditions. ClinVar contains an entry for this variant (Variation ID: 956728). Invitae Evidence Modeling of protein sequence and biophysical properties (such as structural, functional, and spatial information, amino acid conservation, physicochemical variation, residue mobility, and thermodynamic stability) indicates that this missense variant is not expected to disrupt PCDH19 protein function with a negative predictive value of 95%. In summary, the available evidence is currently insufficient to determine the role of this variant in disease. Therefore, it has been classified as a Variant of Uncertain Significance.